The following is an entry in ClinVar:

NM_000026.4(ADSL):c.187del (p.Gln63fs)

Gene: ADSL (adenylosuccinate lyase; plus strand). Cytogenetic location: 22q13.1.
Variant type: Deletion.
Coding change: c.187del on transcript NM_000026.4 (MANE Select); coding-DNA position 187, one base deleted (C; older notation c.187delC).
Protein change: p.Gln63fs; shifts the reading frame from glutamine 63.
Molecular consequence: frameshift variant. On other transcripts: 5 prime UTR variant (1), non-coding transcript variant (1).
Genome position (GRCh38, 1-based): chr22:40,349,865, C deleted; the last of 2 consecutive C bases (chr22:40,349,864-40,349,865); deleting either gives the same sequence. VCF-style (leftmost placement, unchanged base first): chr22-40349863-TC-T. GRCh37 (hg19) VCF-style: chr22-40745867-TC-T.
Other names: c.187del, p.Gln63fs (NM_001123378.3, NM_001363840.3); c.-6del (NM_001317923.2); short protein forms Q63fs.
Identifiers: ClinVar variation 1420897 (VCV001420897.6), dbSNP rs2146622848, ClinGen allele CA2573158364.
Genomic context (GRCh38, chr22:40,349,863, plus strand): 5'-TATTTTATTTTATTTTGCCTATTCTGCAGACATTGGGTTTGCCTATCACAGATGAACAAA[TC>T]CAGGAGATGAAATCAAACCTGGAGAACATCGACTTCAAGATGGCAGCTGAGGAAGAGAAA-3'

ClinVar aggregate classification (germline): Pathogenic (1 of 4 stars; one submission).

Conditions:
Adenylosuccinate lyase deficiency (ADSLD). Also called: ADSL DEFICIENCY. Identifiers: Orphanet 46, MedGen C0268126, MONDO:0007068, OMIM 103050.

Submission:

Labcorp Genetics (formerly Invitae), Labcorp
Classification: Pathogenic for Adenylosuccinate lyase deficiency. Last evaluated: 2021-08-16. Review status: criteria provided, single submitter. Criteria: Invitae Variant Classification Sherloc (09022015). Collection method: clinical testing. Allele origin: germline.
Comment: This variant is not present in population databases (ExAC no frequency). For these reasons, this variant has been classified as Pathogenic. This variant has not been reported in the literature in individuals affected with ADSL-related conditions. This sequence change creates a premature translational stop signal (p.Gln63Argfs*3) in the ADSL gene. It is expected to result in an absent or disrupted protein product. Loss-of-function variants in ADSL are known to be pathogenic (PMID: 10888601, 20177786).

Literature cited by the submitters: PubMed 10888601; PubMed 20177786.